The following is an entry in ClinVar:

NM_000213.5(ITGB4):c.3294C>T (p.Thr1098=)

Gene: ITGB4 (integrin subunit beta 4; plus strand). Cytogenetic location: 17q25.1.
Variant type: single nucleotide variant.
Coding change: c.3294C>T on transcript NM_000213.5 (MANE Select); coding-DNA position 3294, C replaced by T.
Protein change: p.Thr1098=; no amino-acid change (threonine 1098 retained).
Molecular consequence: synonymous variant.
Genome position (GRCh38, 1-based): chr17:75,749,023, C>T. VCF-style: chr17-75749023-C-T. GRCh37 (hg19) VCF-style: chr17-73745104-C-T.
Other names: c.3294C>T, p.Thr1098= (NM_001005619.2, NM_001005731.3, NM_001321123.2).
Identifiers: ClinVar variation 3348157 (VCV003348157.1).
Genomic context (GRCh38, chr17:75,749,023, plus strand): 5'-TTTCCACGTCCAGCTCAGCAACCCTAAGTTTGGGGCCCACCTGGGCCAGCCCCACTCCAC[C>T]ACCATCATCATCAGGGACCCAGGTAGGCAGAGCCTGGGGGTCGGCTTAAGCAGGAGGAGA-3'
Protein context (NP_000204.3, residues 1088-1108): FGAHLGQPHS[Thr1098=]TIIIRDPDEL

ClinVar aggregate classification (germline): Likely benign (0 of 4 stars; one submission).

Conditions:
ITGB4-related disorder. Also called: ITGB4-related condition.

Submission:

PreventionGenetics, part of Exact Sciences
Classification: Likely benign for ITGB4-related condition. Last evaluated: 2024-04-19. Review status: no assertion criteria provided. Collection method: clinical testing. Allele origin: germline.
Comment: This variant is classified as likely benign based on ACMG/AMP sequence variant interpretation guidelines (Richards et al. 2015 PMID: 25741868, with internal and published modifications).